The following is an entry in ClinVar:

NM_000719.7(CACNA1C):c.3646G>A (p.Val1216Ile)

Gene: CACNA1C (calcium voltage-gated channel subunit alpha1 C; plus strand). Cytogenetic location: 12p13.33.
Variant type: single nucleotide variant.
Coding change: c.3646G>A on transcript NM_000719.7 (MANE Select); coding-DNA position 3646, G replaced by A.
Protein change: p.Val1216Ile; replaces valine 1216 with isoleucine.
Molecular consequence: missense variant.
Genome position (GRCh38, 1-based): chr12:2,610,628, G>A. VCF-style: chr12-2610628-G-A. GRCh37 (hg19) VCF-style: chr12-2719794-G-A.
Other names: c.3706G>A, p.Val1236Ile (NM_001129827.2, NM_001129832.2, NM_199460.4); c.3646G>A, p.Val1216Ile (NM_001129829.2, NM_001129830.3, NM_001129831.2 and 15 more transcripts); c.3637G>A, p.Val1213Ile (NM_001129844.2); short protein forms V1216I, V1236I, V1213I.
Identifiers: ClinVar variation 2873086 (VCV002873086.3), dbSNP rs1025990812, ClinGen allele CA231611724.

ClinVar aggregate classification (germline): Uncertain significance (1 of 4 stars; one submission).

Conditions:
Long QT syndrome (LQTS). Identifiers: MedGen C0023976, MeSH D008133, MONDO:0002442. Disease mechanism: loss of function. Inheritance: Various modes of inheritance.

Allele frequency attached by ClinVar (database versions not stated): gnomAD exomes below 0.00001.
gnomAD v4.1: 1 of 1,614,206 alleles (0.000062%); highest among the groups gnomAD compares: South Asian, 0.0011%; no homozygotes.

Submission:

Labcorp Genetics (formerly Invitae), Labcorp
Classification: Uncertain significance for Long QT syndrome. Last evaluated: 2023-05-16. Review status: criteria provided, single submitter. Criteria: Invitae Variant Classification Sherloc (09022015). Collection method: clinical testing. Allele origin: germline.
Comment: In summary, the available evidence is currently insufficient to determine the role of this variant in disease. Therefore, it has been classified as a Variant of Uncertain Significance. Advanced modeling of protein sequence and biophysical properties (such as structural, functional, and spatial information, amino acid conservation, physicochemical variation, residue mobility, and thermodynamic stability) performed at Invitae indicates that this missense variant is not expected to disrupt CACNA1C protein function. This variant has not been reported in the literature in individuals affected with CACNA1C-related conditions. This variant is not present in population databases (gnomAD no frequency). This sequence change replaces valine, which is neutral and non-polar, with isoleucine, which is neutral and non-polar, at codon 1216 of the CACNA1C protein (p.Val1216Ile).